The following is an entry in ClinVar:

NM_014629.4(ARHGEF10):c.898T>G (p.Leu300Val)

Gene: ARHGEF10 (Rho guanine nucleotide exchange factor 10; plus strand). Cytogenetic location: 8p23.3.
Variant type: single nucleotide variant.
Coding change: c.898T>G on transcript NM_014629.4 (MANE Select); coding-DNA position 898, T replaced by G.
Protein change: p.Leu300Val; replaces leucine 300 with valine.
Molecular consequence: missense variant. On other transcripts: intron variant (1).
Genome position (GRCh38, 1-based): chr8:1,880,102, T>G. VCF-style: chr8-1880102-T-G. GRCh37 (hg19) VCF-style: chr8-1828268-T-G.
Other names: p.Leu300Val; c.901T>G, p.Leu301Val (NM_001308153.3); c.847-2533T>G (NM_001308152.2); short protein forms L300V, L325V, L301V.
Identifiers: ClinVar variation 2683001 (VCV002683001.1), dbSNP rs754510892, ClinGen allele CA369956390.

ClinVar aggregate classification (germline): Uncertain significance (1 of 4 stars; one submission).

gnomAD v4.1: 3 of 1,614,166 alleles (0.00019%); highest among the groups gnomAD compares: Non-Finnish European, 0.00017%; no homozygotes.

Submission:

Mayo Clinic Laboratories, Mayo Clinic
Classification: Uncertain significance. Last evaluated: 2022-09-22. Review status: criteria provided, single submitter. Criteria: ACMG Guidelines, 2015. Collection method: clinical testing. Allele origin: germline. Observed: 1 variant allele.
Comment: BP4